The following is an entry in ClinVar:

NM_005006.7(NDUFS1):c.338+1G>A

Gene: NDUFS1 (NADH:ubiquinone oxidoreductase core subunit S1; minus strand). Cytogenetic location: 2q33.3.
Variant type: single nucleotide variant.
Coding change: c.338+1G>A on transcript NM_005006.7 (MANE Select); the canonical splice donor site of the intron after coding-DNA position 338, G replaced by A.
Molecular consequence: splice donor variant. On other transcripts: intron variant (1).
Genome position (GRCh38, 1-based): chr2:206,149,019, C>T on the plus strand (G>A on the coding strand, the complement: NDUFS1 is on the minus strand). VCF-style: chr2-206149019-C-T. GRCh37 (hg19) VCF-style: chr2-207013743-C-T.
Other names: c.6-1185G>A (NM_001199982.2); c.167+1G>A (NM_001199983.2); c.230+1G>A (NM_001199981.2); c.380+1G>A (NM_001199984.2).
Identifiers: ClinVar variation 1506164 (VCV001506164.6), dbSNP rs2105976883, ClinGen allele CA350063337.

ClinVar aggregate classification (germline): Likely pathogenic (1 of 4 stars; one submission).

gnomAD v4.1: 1 of 1,603,630 alleles (0.000062%); highest among the groups gnomAD compares: Non-Finnish European, 0.000085%; no homozygotes.

Submission:

Labcorp Genetics (formerly Invitae), Labcorp
Classification: Likely pathogenic. Last evaluated: 2021-12-02. Review status: criteria provided, single submitter. Criteria: Invitae Variant Classification Sherloc (09022015). Collection method: clinical testing. Allele origin: germline.
Comment: This sequence change affects a donor splice site in intron 5 of the NDUFS1 gene. It is expected to disrupt RNA splicing. Variants that disrupt the donor or acceptor splice site typically lead to a loss of protein function (PMID: 16199547), and loss-of-function variants in NDUFS1 are known to be pathogenic (PMID: 11349233, 22200994). In summary, the currently available evidence indicates that the variant is pathogenic, but additional data are needed to prove that conclusively. Therefore, this variant has been classified as Likely Pathogenic. Algorithms developed to predict the effect of sequence changes on RNA splicing suggest that this variant may disrupt the consensus splice site. This variant has not been reported in the literature in individuals affected with NDUFS1-related conditions. This variant is not present in population databases (gnomAD no frequency).

Literature cited by the submitters: PubMed 16199547; PubMed 11349233; PubMed 22200994.